The following is an entry in ClinVar:

NM_017827.4(SARS2):c.868C>T (p.Arg290Cys)

Gene: SARS2 (seryl-tRNA synthetase 2, mitochondrial; minus strand). Cytogenetic location: 19q13.2.
Variant type: single nucleotide variant.
Coding change: c.868C>T on transcript NM_017827.4 (MANE Select); coding-DNA position 868, C replaced by T.
Protein change: p.Arg290Cys; replaces arginine 290 with cysteine.
Molecular consequence: missense variant.
Genome position (GRCh38, 1-based): chr19:38,918,470, G>A on the plus strand (C>T on the coding strand, the complement: SARS2 is on the minus strand). VCF-style: chr19-38918470-G-A. GRCh37 (hg19) VCF-style: chr19-39409110-G-A.
Other names: c.874C>T, p.Arg292Cys (NM_001145901.2); short protein forms R290C, R292C.
Identifiers: ClinVar variation 1806791 (VCV001806791.1), dbSNP rs79702490, ClinGen allele CA9422986.

ClinVar aggregate classification (germline): Uncertain significance (1 of 4 stars; one submission).

Allele frequency attached by ClinVar (database versions not stated): ExAC 0.00003; 1000 Genomes Project 30x 0.00016; 1000 Genomes Project 0.00020.
gnomAD v4.1: 45 of 1,614,190 alleles (0.0028%); highest among the groups gnomAD compares: Middle Eastern, 0.017%; no homozygotes.

Submission:

GeneDx
Classification: Uncertain significance. Last evaluated: 2022-12-19. Review status: criteria provided, single submitter. Criteria: GeneDx Variant Classification Process June 2021. Collection method: clinical testing. Allele origin: germline. Affected: yes.
Comment: In silico analysis supports that this missense variant has a deleterious effect on protein structure/function; Not observed at significant frequency in large population cohorts (gnomAD); Has not been previously published as pathogenic or benign to our knowledge